The following is an entry in ClinVar:

ClinVar aggregate classification (germline): Likely benign (1 of 4 stars; one submission).

Submission:

Mayo Clinic Laboratories, Mayo Clinic
Classification: Likely benign. Last evaluated: 2025-06-13. Review status: criteria provided, single submitter. Criteria: ACMG Guidelines, 2015. Collection method: clinical testing. Allele origin: germline. Observed: 2 variant alleles.
Comment: BP4, BP7

NM_002887.4(RARS1):c.1873+28_1873+33del

Gene: RARS1 (arginyl-tRNA synthetase 1; plus strand). Cytogenetic location: 5q34.
Variant type: Deletion.
Coding change: c.1873+28_1873+33del on transcript NM_002887.4 (MANE Select); bases 28 to 33 of the intron after coding-DNA position 1873, 6 bases deleted (TTTTTT; older notation c.1873+28_1873+33delTTTTTT).
Molecular consequence: intron variant.
Genome position (GRCh38, 1-based): chr5:168,518,090-168,518,095, TTTTTT deleted; deleting any 6 consecutive bases within chr5:168,518,072-168,518,095 gives the same sequence; the c. name uses the placement nearest the transcript's 3' end. VCF-style (leftmost placement, unchanged base first): chr5-168518071-CTTTTTT-C. GRCh37 (hg19) VCF-style: chr5-167945076-CTTTTTT-C.
Other names: p.?.
Identifiers: ClinVar variation 4684881 (VCV004684881.1).
Genomic context (GRCh38, chr5:168,518,071, plus strand): 5'-TTCACAGAGTTCTATGATAGCTGCTACTGTGTGGAGAAAGATAGACAGACTGGTGAGTGT[CTTTTTT>C]TTTTTTTTTTTTTTTTTTAGTGAGAGACACGGATCTTGCTCTGTCCCTTGGGCTGGAGTA-3'